The following is an entry in ClinVar:

ClinVar aggregate classification (germline): Likely pathogenic (1 of 4 stars; one submission).

Conditions:
Primary ciliary dyskinesia. Also called: Ciliary dyskinesia. Identifiers: Orphanet 244, MedGen C0008780, MONDO:0016575, HP:0012265.

Submission:

Labcorp Genetics (formerly Invitae), Labcorp
Classification: Likely pathogenic for Primary ciliary dyskinesia. Last evaluated: 2023-06-09. Review status: criteria provided, single submitter. Criteria: Invitae Variant Classification Sherloc (09022015). Collection method: clinical testing. Allele origin: germline.
Comment: Algorithms developed to predict the effect of sequence changes on RNA splicing suggest that this variant may disrupt the consensus splice site. This variant has not been reported in the literature in individuals affected with DNAH5-related conditions. This variant is not present in population databases (gnomAD no frequency). This sequence change affects an acceptor splice site in intron 39 of the DNAH5 gene. It is expected to disrupt RNA splicing. Variants that disrupt the donor or acceptor splice site typically lead to a loss of protein function (PMID: 16199547), and loss-of-function variants in DNAH5 are known to be pathogenic (PMID: 11788826, 16627867). In summary, the currently available evidence indicates that the variant is pathogenic, but additional data are needed to prove that conclusively. Therefore, this variant has been classified as Likely Pathogenic.

Literature cited by the submitters: PubMed 16199547; PubMed 11788826; PubMed 16627867.

NM_001369.3(DNAH5):c.6580-1G>T

Gene: DNAH5 (dynein axonemal heavy chain 5; minus strand). Cytogenetic location: 5p15.2.
Variant type: single nucleotide variant.
Coding change: c.6580-1G>T on transcript NM_001369.3 (MANE Select); the canonical splice acceptor site of the intron before coding-DNA position 6580, G replaced by T.
Molecular consequence: splice acceptor variant.
Genome position (GRCh38, 1-based): chr5:13,823,371, C>A on the plus strand (G>T on the coding strand, the complement: DNAH5 is on the minus strand). VCF-style: chr5-13823371-C-A. GRCh37 (hg19) VCF-style: chr5-13823480-C-A.
Identifiers: ClinVar variation 2700155 (VCV002700155.3), dbSNP rs2546854025, ClinGen allele CA359196138.